The following is an entry in ClinVar:

NM_002878.4(RAD51D):c.577-20C>T

Genes: RAD51D (RAD51 paralog D; minus strand), RAD51L3-RFFL (RAD51L3-RFFL readthrough; minus strand). Cytogenetic location: 17q12.
Variant type: single nucleotide variant.
Coding change: c.577-20C>T on transcript NM_002878.4 (MANE Select); 20 bases into the intron before coding-DNA position 577, C replaced by T.
Molecular consequence: intron variant.
Genome position (GRCh38, 1-based): chr17:35,103,564, G>A on the plus strand (C>T on the coding strand, the complement: RAD51D is on the minus strand). VCF-style: chr17-35103564-G-A. GRCh37 (hg19) VCF-style: chr17-33430583-G-A.
Other names: c.241-20C>T (NM_133629.3); c.637-20C>T (NM_001142571.2).
Identifiers: ClinVar variation 3904055 (VCV003904055.1).

ClinVar aggregate classification (germline): Likely benign (1 of 4 stars; one submission).

Conditions:
Breast-ovarian cancer, familial, susceptibility to, 4. Identifiers: Orphanet 145, MedGen C3280345, MONDO:0013669, OMIM 614291.

Submission:

Myriad Genetics, Inc.
Classification: Likely benign for Breast-ovarian cancer, familial, susceptibility to, 4. Last evaluated: 2025-02-24. Review status: criteria provided, single submitter. Criteria: Myriad Autosomal Dominant, Autosomal Recessive and X-Linked Classification Criteria (2023). Collection method: clinical testing. Allele origin: unknown.
Comment: This variant is considered likely benign. This variant is intronic and is not expected to impact mRNA splicing.